The following continues an entry in ClinVar:

NM_004985.5(KRAS):c.38G>A (p.Gly13Asp)

Gene: KRAS. ClinVar aggregate classification (germline): Pathogenic. Pathogenic (9). ClinVar aggregate classification (somatic clinical impact): Tier I - Strong. ClinVar aggregate classification (oncogenicity): Oncogenic.

Submissions 13 to 29 of 29:

Equipe Genetique des Anomalies du Developpement, Université de Bourgogne
Classification: Pathogenic for Nevus sebaceous. Review status: criteria provided, single submitter. Criteria: ACMG Guidelines, 2015. Collection method: clinical testing. Allele origin: somatic. Affected: yes.

Department of Clinical Biochemistry, Naestved Hospital
Classification: Tier I - Strong for Colorectal cancer. Assertion type: prognostic. Clinical significance: better outcome. Last evaluated: 2024-10-10. Review status: no assertion criteria provided. Collection method: research. Allele origin: somatic. Not counted in ClinVar's aggregate classification.

PreventionGenetics, part of Exact Sciences
Classification: Pathogenic for KRAS-related condition. Last evaluated: 2024-05-03. Review status: no assertion criteria provided. Collection method: clinical testing. Allele origin: germline. Not counted in ClinVar's aggregate classification.
Comment: The KRAS c.38G>A variant is predicted to result in the amino acid substitution p.Gly13Asp. This variant has been reported as a mosaic change in two patients with RAS-associated autoimmune leukoproliferative disorder, oculoectodermal syndrome/encephalocraniocutaneous lipomatosis, and an individual with myelodysplastic/myeloproliferative disease who was also positive for additional variants (Takagi et al. 2011. PubMed ID: 21063026; Peacock et al. 2015. PubMed ID: 25808193; Moog and Moog. 2022. PubMed ID: 35099867; Patient 2, Ismael et al. 2012. PubMed ID: 22571758). This variant has not been reported in a large population database, indicating this variant is rare. This variant is interpreted as pathogenic.

OMIM
Classification: Pathogenic for BREAST ADENOCARCINOMA, SOMATIC. Last evaluated: 2015-07-01. Review status: no assertion criteria provided. Collection method: literature only. Allele origin: somatic. Not counted in ClinVar's aggregate classification.

OMIM
Classification: Pathogenic for JUVENILE MYELOMONOCYTIC LEUKEMIA, SOMATIC. Last evaluated: 2015-07-01. Review status: no assertion criteria provided. Collection method: literature only. Allele origin: somatic. Not counted in ClinVar's aggregate classification.

OMIM
Classification: Pathogenic for OCULOECTODERMAL SYNDROME, SOMATIC. Last evaluated: 2015-07-01. Review status: no assertion criteria provided. Collection method: literature only. Allele origin: somatic. Not counted in ClinVar's aggregate classification.

OMIM
Classification: Pathogenic for RAS-ASSOCIATED AUTOIMMUNE LEUKOPROLIFERATIVE DISORDER 2, SOMATIC. Last evaluated: 2015-07-01. Review status: no assertion criteria provided. Collection method: literature only. Allele origin: somatic. Not counted in ClinVar's aggregate classification.

Clinical Genetics DNA and cytogenetics Diagnostics Lab, Erasmus MC, Erasmus Medical Center
Classification: Likely pathogenic. Review status: no assertion criteria provided. Collection method: clinical testing. Allele origin: germline. Affected: yes. Study: VKGL Data-share Consensus. Not counted in ClinVar's aggregate classification.

Department of Pathology and Laboratory Medicine, Sinai Health System
Classification: Pathogenic. Review status: no assertion criteria provided. Collection method: clinical testing. Allele origin: unknown. Affected: yes. Observed: 76 variant alleles. Study: The Canadian Open Genetics Repository (COGR). Not counted in ClinVar's aggregate classification.

Dr. Peter K. Rogan Lab, Western University
No classification provided (evidence only). Condition: Melanoma. Review status: no classification provided. Collection method: in vitro. Allele origin: not applicable. Functional consequence: skipped exon. Not counted in ClinVar's aggregate classification.

Dr. Peter K. Rogan Lab, Western University
No classification provided (evidence only). Condition: Malignant tumor of urinary bladder. Review status: no classification provided. Collection method: in vitro. Allele origin: not applicable. Functional consequence: skipped exon. Not counted in ClinVar's aggregate classification.

Dr. Peter K. Rogan Lab, Western University
No classification provided (evidence only). Condition: Acute myeloid leukemia. Review status: no classification provided. Collection method: in vitro. Allele origin: not applicable. Functional consequence: retained intron. Not counted in ClinVar's aggregate classification.

Dr. Peter K. Rogan Lab, Western University
No classification provided (evidence only). Condition: Colorectal cancer. Review status: no classification provided. Collection method: in vitro. Allele origin: not applicable. Functional consequence: retained intron. Not counted in ClinVar's aggregate classification.

Dr. Peter K. Rogan Lab, Western University
No classification provided (evidence only). Condition: Colorectal cancer. Review status: no classification provided. Collection method: in vitro. Allele origin: not applicable. Functional consequence: retained intron. Not counted in ClinVar's aggregate classification.

Dr. Peter K. Rogan Lab, Western University
No classification provided (evidence only). Condition: Cervical cancer. Review status: no classification provided. Collection method: in vitro. Allele origin: not applicable. Functional consequence: retained intron. Not counted in ClinVar's aggregate classification.

GeneReviews
No classification provided. Condition: Encephalocraniocutaneous lipomatosis. Review status: no classification provided. Collection method: literature only. Allele origin: somatic. Not counted in ClinVar's aggregate classification.

Joint Genome Diagnostic Labs from Nijmegen and Maastricht, Radboudumc and MUMC+
Classification: Pathogenic. Review status: no assertion criteria provided. Collection method: clinical testing. Allele origin: germline. Affected: yes. Study: VKGL Data-share Consensus. Not counted in ClinVar's aggregate classification.

Literature cited by the submitters: PubMed 25808193 (cited by 4 submitters); PubMed 23455880 (cited by Center for Genomic Medicine, Rigshospitalet, Copenhagen University Hospital); PubMed 26037647 (cited by Center for Genomic Medicine, Rigshospitalet, Copenhagen University Hospital and Institute for Genomic Medicine (IGM) Clinical Laboratory, Nationwide Children's Hospital); PubMed 24705251 (cited by Institute for Genomic Medicine (IGM) Clinical Laboratory, Nationwide Children's Hospital); PubMed 28966033 (cited by Institute for Genomic Medicine (IGM) Clinical Laboratory, Nationwide Children's Hospital); PubMed 28912153 (cited by Institute for Genomic Medicine (IGM) Clinical Laboratory, Nationwide Children's Hospital); PubMed 35363510 (cited by Institute for Genomic Medicine (IGM) Clinical Laboratory, Nationwide Children's Hospital); PubMed 24436047 (cited by Institute for Genomic Medicine (IGM) Clinical Laboratory, Nationwide Children's Hospital); PubMed 34166060 (cited by Institute for Genomic Medicine (IGM) Clinical Laboratory, Nationwide Children's Hospital); PubMed 25768946 (cited by Institute for Genomic Medicine (IGM) Clinical Laboratory, Nationwide Children's Hospital); PubMed 19681119 (cited by Institute for Genomic Medicine (IGM) Clinical Laboratory, Nationwide Children's Hospital); PubMed 24332040 (cited by Institute for Genomic Medicine (IGM) Clinical Laboratory, Nationwide Children's Hospital); PubMed 26138366 (cited by Institute for Genomic Medicine (IGM) Clinical Laboratory, Nationwide Children's Hospital); PubMed 22810696 (cited by Institute for Genomic Medicine (IGM) Clinical Laboratory, Nationwide Children's Hospital); PubMed 27325016 (cited by Institute for Genomic Medicine (IGM) Clinical Laboratory, Nationwide Children's Hospital); PubMed 21063026 (cited by Ambry Genetics and OMIM); PubMed 22571758 (cited by Ambry Genetics); PubMed 24720724 (cited by Ambry Genetics); PubMed 15696205 (cited by Ambry Genetics and Laboratory for Molecular Medicine, Mass General Brigham Personalized Medicine); PubMed 2547513 (cited by Ambry Genetics); PubMed 25705018 (cited by Ambry Genetics); PubMed 3627975 (cited by OMIM); PubMed 17332249 (cited by OMIM); NCBI Bookshelf NBK576966 (cited by GeneReviews).